The following is an entry in ClinVar:

ClinVar aggregate classification (germline): Uncertain significance. Review status: criteria provided, multiple submitters, no conflicts (2 of 4 stars). 2 submissions from 2 submitters: Uncertain significance (2). Last evaluated 2024-01-24.

Conditions:
Inborn genetic diseases. Identifiers: MedGen C0950123, MeSH D030342.

gnomAD v4.1: 5 of 1,613,192 alleles (0.00031%); highest among the groups gnomAD compares: African/African-American, 0.004%; no homozygotes.

Submissions (2):

Ambry Genetics
Classification: Uncertain significance for Inborn genetic diseases. Last evaluated: 2024-01-24. Review status: criteria provided, single submitter. Criteria: Ambry Variant Classification Scheme 2023. Collection method: clinical testing. Allele origin: germline.

Labcorp Genetics (formerly Invitae), Labcorp
Classification: Uncertain significance. Last evaluated: 2021-09-04. Review status: criteria provided, single submitter. Criteria: Invitae Variant Classification Sherloc (09022015). Collection method: clinical testing. Allele origin: germline.
Comment: This sequence change replaces proline with threonine at codon 560 of the TRAF3IP1 protein (p.Pro560Thr). The proline residue is weakly conserved and there is a small physicochemical difference between proline and threonine. This variant is not present in population databases (ExAC no frequency). This variant has not been reported in the literature in individuals affected with TRAF3IP1-related conditions. Algorithms developed to predict the effect of missense changes on protein structure and function (SIFT, PolyPhen-2, Align-GVGD) all suggest that this variant is likely to be tolerated. In summary, the available evidence is currently insufficient to determine the role of this variant in disease. Therefore, it has been classified as a Variant of Uncertain Significance.

NM_015650.4(TRAF3IP1):c.1678C>A (p.Pro560Thr)

Gene: TRAF3IP1 (TRAF3 interacting protein 1; plus strand). Cytogenetic location: 2q37.3.
Variant type: single nucleotide variant.
Coding change: c.1678C>A on transcript NM_015650.4 (MANE Select); coding-DNA position 1678, C replaced by A.
Protein change: p.Pro560Thr; replaces proline 560 with threonine.
Molecular consequence: missense variant.
Genome position (GRCh38, 1-based): chr2:238,356,069, C>A. VCF-style: chr2-238356069-C-A. GRCh37 (hg19) VCF-style: chr2-239264710-C-A.
Other names: c.1480C>A, p.Pro494Thr (NM_001139490.1); c.1678C>A (NM_015650.3); short protein forms P560T, P494T.
Identifiers: ClinVar variation 1491017 (VCV001491017.7), dbSNP rs150033164, ClinGen allele CA351235143.
Genomic context (GRCh38, chr2:238,356,069, plus strand): 5'-CTTGTGAAAAAAATTTTGGAGACGAAGAAAGATTATGAGAAATTGCAGCAGTCACCCAAA[C>A]CTGGGGAGAAGGTAATGGAATGATTTCCATAAACACTGGCATTTTAGCAGTCTGTTTCAT-3'
Protein context (NP_056465.2, residues 550-570): DYEKLQQSPK[Pro560Thr]GEKERSLFES